The following is an entry in ClinVar:

ClinVar aggregate classification (germline): Likely pathogenic. Review status: criteria provided, single submitter (1 of 4 stars). 2 submissions from 2 submitters: Likely pathogenic (1). 1 of the submissions does not count toward it. Last evaluated 2025-09-12.

Conditions:
6-Pyruvoyl-tetrahydrobiopterin synthase deficiency. Also called: Hyperphenylalanemia, BH4-deficient, A; Hyperphenylalaninemia due to 6-pyruvoyl-tetrahydropterin synthase deficiency; BH4-deficient hyperphenylalaninemia A; PTS DEFICIENCY; HYPERPHENYLALANINEMIA, TETRAHYDROBIOPTERIN-DEFICIENT, DUE TO PTS DEFICIENCY; PTS-Related Tetrahydrobiopterin Deficiency. Identifiers: Orphanet 13, Orphanet 238583, MedGen C0878676, MONDO:0009863, OMIM 261640.
Hyperphenylalaninemia, bh4-deficient, a, due to partial pts deficiency. Identifiers: MedGen C4017280.

Allele frequency attached by ClinVar (database versions not stated): gnomAD 0.00003; gnomAD exomes below 0.00001; TOPMed 0.00001.
gnomAD v4.1: 1 of 1,612,918 alleles (0.000062%); no homozygotes.

Submissions (2):

Natera, Inc.
Classification: Likely pathogenic for 6-Pyruvoyl-tetrahydrobiopterin synthase deficiency. Last evaluated: 2025-09-12. Review status: criteria provided, single submitter. Criteria: Natera Variant Classification Schema (03/2026). Collection method: clinical testing. Allele origin: germline.
Comment: The c.139A>G variant in PTS is a missense variant predicted to cause substitution of asparagine to aspartic acid at amino acid 47. This variant is rare in the general population with a frequency below the threshold expected for the associated phenotype(s). This variant has been observed in one or more individuals affected with the associated recessive disease, as either homozygous or compound heterozygous with a second variant (PMID: 32651154, 20059486, 10220141). Functional studies show that this variant may disrupt protein function (PMID: 10220141). Computational prediction algorithms indicate this variant is likely to affect gene or protein function. Given the available evidence, this variant is classified as Likely Pathogenic.

OMIM
Classification: Pathogenic for HYPERPHENYLALANINEMIA, BH4-DEFICIENT, A, DUE TO PARTIAL PTS DEFICIENCY. Last evaluated: 1999-01-01. Review status: no assertion criteria provided. Collection method: literature only. Allele origin: germline. Not counted in ClinVar's aggregate classification.

Literature cited by the submitters: PubMed 32651154 (cited by Natera, Inc.); PubMed 20059486 (cited by Natera, Inc.); PubMed 10220141 (cited by Natera, Inc. and OMIM).

NM_000317.3(PTS):c.139A>G (p.Asn47Asp)

Gene: PTS (6-pyruvoyltetrahydropterin synthase; plus strand). Cytogenetic location: 11q23.1.
Variant type: single nucleotide variant.
Coding change: c.139A>G on transcript NM_000317.3 (MANE Select); coding-DNA position 139, A replaced by G.
Protein change: p.Asn47Asp; replaces asparagine 47 with aspartic acid.
Molecular consequence: missense variant.
Genome position (GRCh38, 1-based): chr11:112,228,649, A>G. VCF-style: chr11-112228649-A-G. GRCh37 (hg19) VCF-style: chr11-112099372-A-G.
Other names: c.139A>G (NM_000317.2); short protein forms N47D.
Identifiers: ClinVar variation 482 (VCV000000482.2), dbSNP rs104894278, ClinGen allele CA114321.